The following is an entry in ClinVar:

ClinVar aggregate classification (germline): Uncertain significance (1 of 4 stars; one submission).

gnomAD v4.1: 1 of 1,614,042 alleles (0.000062%); no homozygotes.

Submission:

Ambry Genetics
Classification: Uncertain significance. Last evaluated: 2024-03-10. Review status: criteria provided, single submitter. Criteria: Ambry Variant Classification Scheme 2023. Collection method: clinical testing. Allele origin: germline.
Comment: The p.H142L variant (also known as c.425A>T), located in coding exon 6 of the RAD54L gene, results from an A to T substitution at nucleotide position 425. The histidine at codon 142 is replaced by leucine, an amino acid with similar properties. This amino acid position is conserved. In addition, this alteration is predicted to be deleterious by in silico analysis. Based on the available evidence, the clinical significance of this alteration remains unclear.

NM_003579.4(RAD54L):c.425A>T (p.His142Leu)

Gene: RAD54L (RAD54 like; plus strand). Cytogenetic location: 1p34.1.
Variant type: single nucleotide variant.
Coding change: c.425A>T on transcript NM_003579.4 (MANE Select); coding-DNA position 425, A replaced by T.
Protein change: p.His142Leu; replaces histidine 142 with leucine.
Molecular consequence: missense variant. On other transcripts: 5 prime UTR variant (1).
Genome position (GRCh38, 1-based): chr1:46,260,559, A>T. VCF-style: chr1-46260559-A-T. GRCh37 (hg19) VCF-style: chr1-46726231-A-T.
Other names: c.425A>T, p.His142Leu (NM_001142548.2); c.-116A>T (NM_001370766.1); short protein forms H142L.
Identifiers: ClinVar variation 3223442 (VCV003223442.1), dbSNP rs1328969541, ClinGen allele CA340184729.